The following is an entry in ClinVar:

ClinVar aggregate classification (germline): Uncertain significance (1 of 4 stars; one submission).

Submission:

Labcorp Genetics (formerly Invitae), Labcorp
Classification: Uncertain significance. Last evaluated: 2023-03-07. Review status: criteria provided, single submitter. Criteria: Invitae Variant Classification Sherloc (09022015). Collection method: clinical testing. Allele origin: germline.
Comment: In summary, the available evidence is currently insufficient to determine the role of this variant in disease. Therefore, it has been classified as a Variant of Uncertain Significance. An algorithm developed to predict the effect of missense changes on protein structure and function (PolyPhen-2) suggests that this variant is likely to be disruptive. This variant has not been reported in the literature in individuals affected with CTR9-related conditions. This variant is not present in population databases (gnomAD no frequency). This sequence change replaces leucine, which is neutral and non-polar, with valine, which is neutral and non-polar, at codon 183 of the CTR9 protein (p.Leu183Val).

NM_014633.5(CTR9):c.547C>G (p.Leu183Val)

Gene: CTR9 (CTR9 component of Paf1/RNA polymerase II complex; plus strand). Cytogenetic location: 11p15.4.
Variant type: single nucleotide variant.
Coding change: c.547C>G on transcript NM_014633.5 (MANE Select); coding-DNA position 547, C replaced by G.
Protein change: p.Leu183Val; replaces leucine 183 with valine.
Molecular consequence: missense variant.
Genome position (GRCh38, 1-based): chr11:10,756,793, C>G. VCF-style: chr11-10756793-C-G. GRCh37 (hg19) VCF-style: chr11-10778340-C-G.
Other names: c.547C>G, p.Leu183Val (NM_001346279.2); short protein forms L183V.
Identifiers: ClinVar variation 2843258 (VCV002843258.3), dbSNP rs1862891374, ClinGen allele CA379661334.
Genomic context (GRCh38, chr11:10,756,793, plus strand): 5'-TTAAAAATCATTACAGGTAAAGCTTGCATTTCCTTCAACAAGAAGGATTACAGAGGAGCT[C>G]TTGCTTACTATAAGAAAGCATTGCGTACTAACCCAGGATGTCCAGGTAAGAGAAAAATTT-3'
Protein context (NP_055448.1, residues 173-193): SFNKKDYRGA[Leu183Val]AYYKKALRTN